The following is an entry in ClinVar:

ClinVar aggregate classification (germline): Pathogenic/Likely pathogenic. Review status: criteria provided, multiple submitters, no conflicts (2 of 4 stars). 2 submissions from 2 submitters: Pathogenic (1); Likely pathogenic (1). Last evaluated 2024-01-23.

Conditions:
Alpha-1-antitrypsin deficiency (A1ATD). Also called: Alpha1-Antitrypsin Deficiency; AAT deficiency; A1AT deficiency. Identifiers: Orphanet 60, MedGen C0221757, MONDO:0013282, OMIM 613490.

Submissions (2):

Baylor Genetics
Classification: Likely pathogenic for Alpha-1-antitrypsin deficiency. Last evaluated: 2024-01-23. Review status: criteria provided, single submitter. Criteria: ACMG Guidelines, 2015. Collection method: clinical testing. Allele origin: unknown.

Labcorp Genetics (formerly Invitae), Labcorp
Classification: Pathogenic for Alpha-1-antitrypsin deficiency. Last evaluated: 2023-04-14. Review status: criteria provided, single submitter. Criteria: Invitae Variant Classification Sherloc (09022015). Collection method: clinical testing. Allele origin: germline.
Comment: This variant has not been reported in the literature in individuals affected with SERPINA1-related conditions. For these reasons, this variant has been classified as Pathogenic. This variant is not present in population databases (gnomAD no frequency). This sequence change creates a premature translational stop signal (p.Lys160Asnfs*50) in the SERPINA1 gene. It is expected to result in an absent or disrupted protein product. Loss-of-function variants in SERPINA1 are known to be pathogenic (PMID: 25425243).

Literature cited by the submitters: PubMed 25425243 (cited by Labcorp Genetics (formerly Invitae), Labcorp).

NM_000295.5(SERPINA1):c.480del (p.Lys160fs)

Gene: SERPINA1 (serpin family A member 1; minus strand). Cytogenetic location: 14q32.13.
Variant type: Deletion.
Coding change: c.480del on transcript NM_000295.5 (MANE Select); coding-DNA position 480, one base deleted (G; older notation c.480delG).
Protein change: p.Lys160fs; shifts the reading frame from lysine 160.
Molecular consequence: frameshift variant.
Genome position (GRCh38, 1-based): chr14:94,382,758, C deleted on the plus strand (G on the coding strand, the reverse complement: SERPINA1 is on the minus strand). VCF-style (leftmost placement, unchanged base first): chr14-94382757-AC-A. GRCh37 (hg19) VCF-style: chr14-94849094-AC-A.
Other names: c.480del, p.Lys160fs (NM_001002235.3, NM_001002236.3, NM_001127700.2 and 7 more transcripts); short protein forms K160fs.
Identifiers: ClinVar variation 2678658 (VCV002678658.5), dbSNP rs2504776767, ClinGen allele CA2695199866.